The following is an entry in ClinVar:

NM_014633.5(CTR9):c.3410G>C (p.Gly1137Ala)

Gene: CTR9 (CTR9 component of Paf1/RNA polymerase II complex; plus strand). Cytogenetic location: 11p15.4.
Variant type: single nucleotide variant.
Coding change: c.3410G>C on transcript NM_014633.5 (MANE Select); coding-DNA position 3410, G replaced by C.
Protein change: p.Gly1137Ala; replaces glycine 1137 with alanine.
Molecular consequence: missense variant.
Genome position (GRCh38, 1-based): chr11:10,778,993, G>C. VCF-style: chr11-10778993-G-C. GRCh37 (hg19) VCF-style: chr11-10800540-G-C.
Other names: c.3338G>C, p.Gly1113Ala (NM_001346279.2); short protein forms G1113A, G1137A.
Identifiers: ClinVar variation 2087231 (VCV002087231.4), dbSNP rs1219079067, ClinGen allele CA379679718.
Genomic context (GRCh38, chr11:10,778,993, plus strand): 5'-CTGAGAACGACTCTCGCCCAGCTTCTCCAAGTGCCGAATCAGATCACGAATCGGAGAGAG[G>C]ATCTGATAATGAGGGTTCTGGCCAAGGCTCTGGAAATGAATCGGAACCAGAGGGATCCAA-3'
Protein context (NP_055448.1, residues 1127-1147): SAESDHESER[Gly1137Ala]SDNEGSGQGS

ClinVar aggregate classification (germline): Uncertain significance (1 of 4 stars; one submission).

Submission:

Labcorp Genetics (formerly Invitae), Labcorp
Classification: Uncertain significance. Last evaluated: 2022-07-12. Review status: criteria provided, single submitter. Criteria: Invitae Variant Classification Sherloc (09022015). Collection method: clinical testing. Allele origin: germline.
Comment: In summary, the available evidence is currently insufficient to determine the role of this variant in disease. Therefore, it has been classified as a Variant of Uncertain Significance. Algorithms developed to predict the effect of missense changes on protein structure and function output the following: SIFT: "Tolerated"; PolyPhen-2: "Benign"; Align-GVGD: "Class C0". The alanine amino acid residue is found in multiple mammalian species, which suggests that this missense change does not adversely affect protein function. This variant has not been reported in the literature in individuals affected with CTR9-related conditions. This variant is present in population databases (no rsID available, gnomAD 0.0009%). This sequence change replaces glycine, which is neutral and non-polar, with alanine, which is neutral and non-polar, at codon 1137 of the CTR9 protein (p.Gly1137Ala).